The following is an entry in ClinVar:

NM_001429.4(EP300):c.3522A>G (p.Thr1174=)

Gene: EP300 (EP300 lysine acetyltransferase; plus strand). Cytogenetic location: 22q13.2.
Variant type: single nucleotide variant.
Coding change: c.3522A>G on transcript NM_001429.4 (MANE Select); coding-DNA position 3522, A replaced by G.
Protein change: p.Thr1174=; no amino-acid change (threonine 1174 retained).
Molecular consequence: synonymous variant.
Genome position (GRCh38, 1-based): chr22:41,158,432, A>G. VCF-style: chr22-41158432-A-G. GRCh37 (hg19) VCF-style: chr22-41554436-A-G.
Other names: c.3444A>G, p.Thr1148= (NM_001362843.2).
Identifiers: ClinVar variation 1254895 (VCV001254895.6), dbSNP rs756748826, ClinGen allele CA10253143.

ClinVar aggregate classification (germline): Benign/Likely benign. Review status: criteria provided, multiple submitters, no conflicts (2 of 4 stars). 4 submissions from 4 submitters: Benign (1); Likely benign (2). 1 of the submissions does not count toward it. Last evaluated 2024-11-17.

Conditions:
EP300-related disorder. Also called: EP300-related condition; EP300-related disorders.
Rubinstein-Taybi syndrome due to EP300 haploinsufficiency. Also called: RUBINSTEIN-TAYBI SYNDROME 2; EP300-Related Rubinstein-Taybi Syndrome. Identifiers: Orphanet 353284, Orphanet 783, MedGen C3150941, MONDO:0013364, OMIM 613684.

Allele frequency attached by ClinVar (database versions not stated): ExAC 0.00001; gnomAD exomes 0.00001 and 0.00002; gnomAD 0.00003 and 0.00004; TOPMed 0.00004.
gnomAD v4.1: 21 of 1,614,004 alleles (0.0013%); highest among the groups gnomAD compares: African/African-American, 0.019%; no homozygotes.

Submissions (4):

Blueprint Genetics
Classification: Likely benign. Last evaluated: 2024-11-17. Review status: criteria provided, single submitter. Criteria: ACMG Guidelines, 2015. Collection method: clinical testing. Allele origin: germline.

Labcorp Genetics (formerly Invitae), Labcorp
Classification: Benign for Rubinstein-Taybi syndrome due to EP300 haploinsufficiency. Last evaluated: 2024-02-09. Review status: criteria provided, single submitter. Criteria: Invitae Variant Classification Sherloc (09022015). Collection method: clinical testing. Allele origin: germline.

GeneDx
Classification: Likely benign. Last evaluated: 2021-01-12. Review status: criteria provided, single submitter. Criteria: GeneDx Variant Classification Process June 2021. Collection method: clinical testing. Allele origin: germline. Affected: yes.

PreventionGenetics, part of Exact Sciences
Classification: Likely benign for EP300-related condition. Last evaluated: 2024-05-31. Review status: no assertion criteria provided. Collection method: clinical testing. Allele origin: germline. Not counted in ClinVar's aggregate classification.
Comment: This variant is classified as likely benign based on ACMG/AMP sequence variant interpretation guidelines (Richards et al. 2015 PMID: 25741868, with internal and published modifications).